The following is an entry in ClinVar:

NM_001365308.1(BMPER):c.1686G>T (p.Lys562Asn)

Gene: BMPER (BMP binding endothelial regulator; plus strand). Cytogenetic location: 7p14.3.
Variant type: single nucleotide variant.
Coding change: c.1686G>T on transcript NM_001365308.1 (MANE Select); coding-DNA position 1686, G replaced by T.
Protein change: p.Lys562Asn; replaces lysine 562 with asparagine.
Molecular consequence: missense variant.
Genome position (GRCh38, 1-based): chr7:34,086,033, G>T. VCF-style: chr7-34086033-G-T. GRCh37 (hg19) VCF-style: chr7-34125645-G-T.
Other names: c.1356G>T, p.Lys452Asn (NM_001410872.1); c.1686G>T, p.Lys562Asn (NM_133468.5); c.1686G>T (NM_133468.3); short protein forms K452N, K562N.
Identifiers: ClinVar variation 2071571 (VCV002071571.3), dbSNP rs369467205, ClinGen allele CA4215455.

ClinVar aggregate classification (germline): Uncertain significance. Review status: criteria provided, multiple submitters, no conflicts (2 of 4 stars). 2 submissions from 2 submitters: Uncertain significance (2). Last evaluated 2025-12-16.

Conditions:
Inborn genetic diseases. Identifiers: MedGen C0950123, MeSH D030342.

Allele frequency attached by ClinVar (database versions not stated): ExAC 0.00003; gnomAD exomes 0.00003.
gnomAD v4.1: 16 of 1,613,914 alleles (0.00099%); highest among the groups gnomAD compares: Admixed American, 0.027%; no homozygotes.

Submissions (2):

Ambry Genetics
Classification: Uncertain significance for Inborn genetic diseases. Last evaluated: 2025-12-16. Review status: criteria provided, single submitter. Criteria: Ambry Variant Classification Scheme 2023. Collection method: clinical testing. Allele origin: germline.

Labcorp Genetics (formerly Invitae), Labcorp
Classification: Uncertain significance. Last evaluated: 2022-01-13. Review status: criteria provided, single submitter. Criteria: Invitae Variant Classification Sherloc (09022015). Collection method: clinical testing. Allele origin: germline.
Comment: This sequence change replaces lysine, which is basic and polar, with asparagine, which is neutral and polar, at codon 562 of the BMPER protein (p.Lys562Asn). This variant is present in population databases (rs369467205, gnomAD 0.04%). This variant has not been reported in the literature in individuals affected with BMPER-related conditions. Algorithms developed to predict the effect of missense changes on protein structure and function are either unavailable or do not agree on the potential impact of this missense change (SIFT: "Deleterious"; PolyPhen-2: "Benign"; Align-GVGD: "Class C65"). In summary, the available evidence is currently insufficient to determine the role of this variant in disease. Therefore, it has been classified as a Variant of Uncertain Significance.